The following is an entry in ClinVar:

ClinVar aggregate classification (germline): Likely pathogenic (1 of 4 stars; one submission).

gnomAD v4.1: 19 of 1,613,954 alleles (0.0012%); highest among the groups gnomAD compares: Non-Finnish European, 0.0015%; no homozygotes.

Submission:

Mayo Clinic Laboratories, Mayo Clinic
Classification: Likely pathogenic. Last evaluated: 2024-07-02. Review status: criteria provided, single submitter. Criteria: ACMG Guidelines, 2015. Collection method: clinical testing. Allele origin: germline. Observed: 1 variant allele.
Comment: PM2, PVS1

NM_018671.5(UNC45A):c.214-2A>G

Gene: UNC45A (unc-45 myosin chaperone A; plus strand). Cytogenetic location: 15q26.1.
Variant type: single nucleotide variant.
Coding change: c.214-2A>G on transcript NM_018671.5 (MANE Select); the canonical splice acceptor site of the intron before coding-DNA position 214, A replaced by G.
Molecular consequence: splice acceptor variant.
Genome position (GRCh38, 1-based): chr15:90,935,944, A>G. VCF-style: chr15-90935944-A-G. GRCh37 (hg19) VCF-style: chr15-91479174-A-G.
Other names: c.169-2A>G (NM_001039675.2, NM_001323621.2); c.214-2A>G (NM_001323619.1); c.-370-2A>G (NM_001323620.2).
Identifiers: ClinVar variation 3381131 (VCV003381131.1).